The following is an entry in ClinVar:

NM_003184.4(TAF2):c.1233G>T (p.Gly411=)

Gene: TAF2 (TATA-box binding protein associated factor 2; minus strand). Cytogenetic location: 8q24.12.
Variant type: single nucleotide variant.
Coding change: c.1233G>T on transcript NM_003184.4 (MANE Select); coding-DNA position 1233, G replaced by T.
Protein change: p.Gly411=; no amino-acid change (glycine 411 retained).
Molecular consequence: synonymous variant.
Genome position (GRCh38, 1-based): chr8:119,793,410, C>A on the plus strand (G>T on the coding strand, the complement: TAF2 is on the minus strand). VCF-style: chr8-119793410-C-A. GRCh37 (hg19) VCF-style: chr8-120805650-C-A.
Identifiers: ClinVar variation 3710458 (VCV003710458.7).

ClinVar aggregate classification (germline): Likely benign. Review status: criteria provided, multiple submitters, no conflicts (2 of 4 stars). 2 submissions from 2 submitters: Likely benign (2). Last evaluated 2025-11-01.

gnomAD v4.1: 11 of 1,612,878 alleles (0.00068%); highest among the groups gnomAD compares: Admixed American, 0.017%; no homozygotes.

Submissions (2):

CeGaT Center for Human Genetics Tuebingen
Classification: Likely benign. Last evaluated: 2025-11-01. Review status: criteria provided, single submitter. Criteria: CeGaT Center For Human Genetics Tuebingen Variant Classification Criteria Version 2. Collection method: clinical testing. Allele origin: germline. Affected: yes. Observed: 1 variant allele.
Comment: TAF2: BP4, BP7

Labcorp Genetics (formerly Invitae), Labcorp
Classification: Likely benign. Last evaluated: 2025-01-29. Review status: criteria provided, single submitter. Criteria: Invitae Variant Classification Sherloc (09022015). Collection method: clinical testing. Allele origin: germline.